The following is an entry in ClinVar:

ClinVar aggregate classification (germline): Uncertain significance (1 of 4 stars; one submission).

Allele frequency attached by ClinVar (database versions not stated): gnomAD exomes below 0.00001.
gnomAD v4.1: 1 of 1,548,780 alleles (0.000065%); highest among the groups gnomAD compares: Non-Finnish European, 0.000087%; no homozygotes.

Submission:

Labcorp Genetics (formerly Invitae), Labcorp
Classification: Uncertain significance. Last evaluated: 2022-03-09. Review status: criteria provided, single submitter. Criteria: Invitae Variant Classification Sherloc (09022015). Collection method: clinical testing. Allele origin: germline.
Comment: This sequence change replaces serine, which is neutral and polar, with isoleucine, which is neutral and non-polar, at codon 2061 of the ZNF469 protein (p.Ser2061Ile). This variant is not present in population databases (gnomAD no frequency). This variant has not been reported in the literature in individuals affected with ZNF469-related conditions. Algorithms developed to predict the effect of missense changes on protein structure and function (SIFT, PolyPhen-2, Align-GVGD) all suggest that this variant is likely to be tolerated. In summary, the available evidence is currently insufficient to determine the role of this variant in disease. Therefore, it has been classified as a Variant of Uncertain Significance.

NM_001367624.2(ZNF469):c.6266G>T (p.Ser2089Ile)

Gene: ZNF469 (zinc finger protein 469; plus strand). Cytogenetic location: 16q24.2.
Variant type: single nucleotide variant.
Coding change: c.6266G>T on transcript NM_001367624.2 (MANE Select); coding-DNA position 6266, G replaced by T.
Protein change: p.Ser2089Ile; replaces serine 2089 with isoleucine.
Molecular consequence: missense variant.
Genome position (GRCh38, 1-based): chr16:88,433,736, G>T. VCF-style: chr16-88433736-G-T. GRCh37 (hg19) VCF-style: chr16-88500144-G-T.
Other names: short protein forms S2089I.
Identifiers: ClinVar variation 1416417 (VCV001416417.3), dbSNP rs2142309105, ClinGen allele CA397105091.
Genomic context (GRCh38, chr16:88,433,736, plus strand): 5'-CCTTGACAGCAGCCCACAGCCGAAGTGGATCTGAGGGCCGGACTCCAGAGAGGGCGTCCA[G>T]CCCCGGCCTGAACAAGCCACTGCTGGCCACAGGGGATAGCCCAGCACCCTCTGTCGGGGA-3'
Protein context (NP_001354553.1, residues 2079-2099): SEGRTPERAS[Ser2089Ile]PGLNKPLLAT